The following is an entry in ClinVar:

ClinVar aggregate classification (germline): Uncertain significance (1 of 4 stars; one submission).

Submission:

GeneDx
Classification: Uncertain significance. Last evaluated: 2024-04-16. Review status: criteria provided, single submitter. Criteria: GeneDx Variant Classification Process June 2021. Collection method: clinical testing. Allele origin: germline. Affected: yes.
Comment: Not observed at significant frequency in large population cohorts (gnomAD); Frameshift variant predicted to result in protein truncation or nonsense mediated decay in a gene or region of a gene for which loss of function is not a well-established mechanism of disease; Has not been previously published as pathogenic or benign to our knowledge

NM_001128840.3(CACNA1D):c.723_745dup (p.Arg249fs)

Gene: CACNA1D (calcium voltage-gated channel subunit alpha1 D; plus strand). Cytogenetic location: 3p21.1.
Variant type: Duplication.
Coding change: c.723_745dup on transcript NM_001128840.3 (MANE Select); coding-DNA positions 723 to 745, 23 bases duplicated (CTTTCGAGTGTTGCGACCACTTC).
Protein change: p.Arg249fs; shifts the reading frame from arginine 249.
Molecular consequence: frameshift variant.
Genome position (GRCh38, 1-based): chr3:53,660,232-53,660,254, CTTTCGAGTGTTGCGACCACTTC duplicated; duplicating any 23 consecutive bases within chr3:53,660,231-53,660,254 gives the same sequence; the c. name uses the placement nearest the transcript's 3' end. VCF-style (leftmost placement, unchanged base first): chr3-53660230-G-GCCTTTCGAGTGTTGCGACCACTT. GRCh37 (hg19) VCF-style: chr3-53694257-G-GCCTTTCGAGTGTTGCGACCACTT.
Other names: c.723_745dup, p.Arg249fs (NM_000720.4, NM_001128839.3); short protein forms R249fs.
Identifiers: ClinVar variation 3372484 (VCV003372484.1).
Genomic context (GRCh38, chr3:53,660,230, plus strand): 5'-ACAGAAGGCGGGAACCACTCAAGCGGCAAATCTGGAGGCTTTGATGTCAAAGCCCTCCGT[G>GCCTTTCGAGTGTTGCGACCACTT]CCTTTCGAGTGTTGCGACCACTTCGACTAGTGTCAGGAGTGCCCAGTAAGCACTTATTGT-3'